The following is an entry in ClinVar:

NM_000152.5(GAA):c.2061del (p.Phe687fs)

Gene: GAA (alpha glucosidase; plus strand). Cytogenetic location: 17q25.3.
Variant type: Deletion.
Coding change: c.2061del on transcript NM_000152.5 (MANE Select); coding-DNA position 2061, one base deleted (C; older notation c.2061delC).
Protein change: p.Phe687fs; shifts the reading frame from phenylalanine 687.
Molecular consequence: frameshift variant.
Genome position (GRCh38, 1-based): chr17:80,113,238, C deleted. VCF-style (leftmost placement, unchanged base first): chr17-80113237-TC-T. GRCh37 (hg19) VCF-style: chr17-78087036-TC-T.
Other names: c.2061del, p.Phe687fs (NM_001079803.3, NM_001079804.3); c.2061del (LRG_673t1); short protein forms F687fs.
Identifiers: ClinVar variation 423932 (VCV000423932.7), dbSNP rs1064796706, ClinGen allele CA16620648.

ClinVar aggregate classification (germline): Likely pathogenic. Review status: reviewed by expert panel (3 of 4 stars). 2 submissions from 2 submitters: Likely pathogenic (1). 1 of the submissions does not count toward it. Last evaluated 2026-04-09.

Conditions:
Glycogen storage disease, type II (IOPD). Also called: Glycogen storage disease type 2; Acid maltase deficiency disease; Aglucosidase alfa; Deficiency of alpha-glucosidase; Deficiency of lysosomal alpha-glucosidase; Glucosidase acid-1,4-alpha deficiency. Identifiers: Orphanet 365, MedGen C0017921, MONDO:0009290, OMIM 232300.

Submissions (2):

ClinGen Lysosomal Storage Disorder Variant Curation Expert Panel
Classification: Likely pathogenic for Glycogen storage disease, type II. Last evaluated: 2026-04-09. Review status: reviewed by expert panel. Criteria: clingen_lsd_acmg_specifications_v2-1. Collection method: curation. Allele origin: germline. Inheritance: Autosomal recessive inheritance.
Comment: The NM_000152.5:c.2061del (p.Phe687LeufsTer9) variant in GAA is a frameshift variant predicted to cause a premature stop codon in exon 15 out of a total of 20 exons, leading to nonsense mediated decay in a gene in which loss-of-function is an established disease mechanism (PVS1). The variant is absent in gnomAD v4.1.0. (PM2_Supporting). To our knowledge, this variant has not been reported in the literature in individuals with Pompe disease, and results of experimental studies are not available. There is a ClinVar entry for this variant (Variation ID: 423932). The classification of this variant has been upgraded from Variant of Uncertain Significance to Likely Pathogenic based on the recommendations of the ClinGen Sequence Variant Interpretation Working Group, that a variant meeting PVS1 and PM2_Supporting is classified as Likely Pathogenic. In summary, this variant meets the criteria to be classified as Likely Pathogenic for Pompe disease. GAA-specific ACMG/AMP criteria met, based on the specifications of the ClinGen Lysosomal Diseases VCEP (Specifications Version 2.0): PVS1, PM2_Supporting. (Classification approved by the ClinGen Lysosomal Diseases VCEP, April 9, 2026).

GeneDx
Classification: Likely pathogenic. Last evaluated: 2017-03-02. Review status: criteria provided, single submitter. Criteria: GeneDx Variant Classification (06012015). Collection method: clinical testing. Allele origin: germline. Affected: yes. Not counted in ClinVar's aggregate classification.
Comment: A variant that is likely pathogenic has been identified in the GAA gene. The c.2061delC variant is not observed in large population cohorts (Lek et al., 2016; 1000 Genomes Consortium et al., 2015; Exome Variant Server). The c.2061delC variant causes a frameshift starting with codon Phenylalanine 687, changes this amino acid to a Leucine residue and creates a premature Stop codon at position 9 of the new reading frame, denoted p.Phe687LeufsX9. This variant is predicted to cause loss of normal protein function either through protein truncation or nonsense-mediated mRNA decay. Although this variant has not been reported previously to our knowledge, other loss-of-function variants in the GAA gene have been reported in the Human Gene Mutation Database in association with GSDII (Stenson et al., 2014). Therefore, this variant is likely pathogenic; however, the possibility that it is benign cannot be excluded.